The following is an entry in ClinVar:

NM_182961.4(SYNE1):c.20833G>A (p.Ala6945Thr)

Gene: SYNE1 (spectrin repeat containing nuclear envelope protein 1; minus strand). Cytogenetic location: 6q25.2.
Variant type: single nucleotide variant.
Coding change: c.20833G>A on transcript NM_182961.4 (MANE Select); coding-DNA position 20833, G replaced by A.
Protein change: p.Ala6945Thr; replaces alanine 6945 with threonine.
Molecular consequence: missense variant.
Genome position (GRCh38, 1-based): chr6:152,232,145, C>T on the plus strand (G>A on the coding strand, the complement: SYNE1 is on the minus strand). VCF-style: chr6-152232145-C-T. GRCh37 (hg19) VCF-style: chr6-152553280-C-T.
Other names: c.20620G>A, p.Ala6874Thr (NM_033071.5); short protein forms A6874T, A6945T.
Identifiers: ClinVar variation 2436650 (VCV002436650.4), dbSNP rs186777944, ClinGen allele CA4054323.
Genomic context (GRCh38, chr6:152,232,145, plus strand): 5'-TGAAAAGTTAAAAACAAAAAATTTTAATTACCTTATATTTCTGAAGGTATTCATGAATTG[C>T]CTTGTAACCTATGGAATTTTTAATATTATCTTCATCCTTCTGAATAACATTTTCCATTAG-3'
Protein context (NP_892006.3, residues 6935-6955): DNIKNSIGYK[Ala6945Thr]IHEYLQKYKG

ClinVar aggregate classification (germline): Uncertain significance. Review status: criteria provided, multiple submitters, no conflicts (2 of 4 stars). 2 submissions from 2 submitters: Uncertain significance (2). Last evaluated 2026-08-01.

Allele frequency attached by ClinVar (database versions not stated): gnomAD exomes below 0.00001; TOPMed below 0.00001; gnomAD 0.00001; ExAC 0.00002; 1000 Genomes Project 0.00020; 1000 Genomes Project 30x 0.00031.
gnomAD v4.1: 7 of 1,598,604 alleles (0.00044%); highest among the groups gnomAD compares: Admixed American, 0.01%; no homozygotes.

Submissions (2):

CeGaT Center for Human Genetics Tuebingen
Classification: Uncertain significance. Last evaluated: 2026-08-01. Review status: criteria provided, single submitter. Criteria: CeGaT Center For Human Genetics Tuebingen Variant Classification Criteria Version 2. Collection method: clinical testing. Allele origin: germline. Affected: yes. Observed: 1 variant allele.
Comment: SYNE1: PM2, BP4

Revvity Omics, Revvity
Classification: Uncertain significance. Last evaluated: 2020-07-17. Review status: criteria provided, single submitter. Criteria: ACMG Guidelines, 2015. Collection method: clinical testing. Allele origin: germline.